The following is an entry in ClinVar:

ClinVar aggregate classification (germline): Likely benign. Review status: criteria provided, multiple submitters, no conflicts (2 of 4 stars). 3 submissions from 3 submitters: Likely benign (2). 1 of the submissions does not count toward it. Last evaluated 2026-01-05.

Conditions:
CACNA1D-related disorder.

Allele frequency attached by ClinVar (database versions not stated): ExAC 0.00001; gnomAD exomes 0.00002; gnomAD 0.00009 and 0.00013; TOPMed 0.00016.
gnomAD v4.1: 34 of 1,613,674 alleles (0.0021%); highest among the groups gnomAD compares: Admixed American, 0.037%; no homozygotes.

Submissions (3):

Labcorp Genetics (formerly Invitae), Labcorp
Classification: Likely benign. Last evaluated: 2026-01-05. Review status: criteria provided, single submitter. Criteria: Invitae Variant Classification Sherloc (09022015). Collection method: clinical testing. Allele origin: germline.

Blueprint Genetics
Classification: Likely benign. Last evaluated: 2021-02-04. Review status: criteria provided, single submitter. Criteria: ACMG Guidelines, 2015. Collection method: clinical testing. Allele origin: germline.

PreventionGenetics, part of Exact Sciences
Classification: Likely benign for CACNA1D-related condition. Last evaluated: 2019-02-27. Review status: no assertion criteria provided. Collection method: clinical testing. Allele origin: germline. Not counted in ClinVar's aggregate classification.
Comment: This variant is classified as likely benign based on ACMG/AMP sequence variant interpretation guidelines (Richards et al. 2015 PMID: 25741868, with internal and published modifications).

NM_001128840.3(CACNA1D):c.4002A>G (p.Glu1334=)

Gene: CACNA1D (calcium voltage-gated channel subunit alpha1 D; plus strand). Cytogenetic location: 3p21.1.
Variant type: single nucleotide variant.
Coding change: c.4002A>G on transcript NM_001128840.3 (MANE Select); coding-DNA position 4002, A replaced by G.
Protein change: p.Glu1334=; no amino-acid change (glutamic acid 1334 retained).
Molecular consequence: synonymous variant.
Genome position (GRCh38, 1-based): chr3:53,770,510, A>G. VCF-style: chr3-53770510-A-G. GRCh37 (hg19) VCF-style: chr3-53804537-A-G.
Other names: c.4062A>G, p.Glu1354= (NM_000720.4); c.3957A>G, p.Glu1319= (NM_001128839.3).
Identifiers: ClinVar variation 758371 (VCV000758371.10), dbSNP rs753863835, ClinGen allele CA2454760.